The following is an entry in ClinVar:

NM_001111125.3(IQSEC2):c.1861T>G (p.Tyr621Asp)

Gene: IQSEC2 (IQ motif and Sec7 domain ArfGEF 2; minus strand). Cytogenetic location: Xp11.22.
Variant type: single nucleotide variant.
Coding change: c.1861T>G on transcript NM_001111125.3 (MANE Select); coding-DNA position 1861, T replaced by G.
Protein change: p.Tyr621Asp; replaces tyrosine 621 with aspartic acid.
Molecular consequence: missense variant.
Genome position (GRCh38, 1-based): chrX:53,250,715, A>C on the plus strand (T>G on the coding strand, the complement: IQSEC2 is on the minus strand). VCF-style: chrX-53250715-A-C. GRCh37 (hg19) VCF-style: chrX-53279897-A-C.
Other names: c.1861T>G, p.Tyr621Asp (NM_001410736.1); c.1246T>G, p.Tyr416Asp (NM_015075.2); short protein forms Y416D, Y621D.
Identifiers: ClinVar variation 2499975 (VCV002499975.2), dbSNP rs2519803325, ClinGen allele CA413163154.

ClinVar aggregate classification (germline): Uncertain significance (1 of 4 stars; one submission).

Submission:

GeneDx
Classification: Uncertain significance. Last evaluated: 2026-07-17. Review status: criteria provided, single submitter. Criteria: GeneDx Variant Classification Process June 2021. Collection method: clinical testing. Allele origin: germline.
Comment: Not observed at significant frequency in large population cohorts (gnomAD); In silico analysis supports that this missense variant has a deleterious effect on protein structure/function; Has not been previously published as pathogenic or benign to our knowledge